The following is an entry in ClinVar:

NC_000017.10:g.14095309_15455610del

Genes: CDRT15 (CMT1A duplicated region transcript 15; minus strand), CDRT4 (CMT1A duplicated region transcript 4; minus strand), TVP23C-CDRT4 (TVP23C-CDRT4 readthrough; minus strand), COX10 (cytochrome c oxidase assembly factor heme A:farnesyltransferase COX10; plus strand), HS3ST3B1 (heparan sulfate-glucosamine 3-sulfotransferase 3B1; plus strand) and 3 more. Cytogenetic location: 17p12.
Variant type: Deletion.
Identifiers: ClinVar variation 4071497 (VCV004071497.1).

ClinVar aggregate classification (germline): Pathogenic (0 of 4 stars; one submission).

Conditions:
Hereditary liability to pressure palsies (HNPP). Also called: POLYNEUROPATHY, FAMILIAL RECURRENT; TOMACULOUS NEUROPATHY; Hereditary Neuropathy with Liability to Pressure Palsies. Identifiers: Orphanet 640, MedGen C0393814, MONDO:0008087, OMIM 162500.

Submission:

Laboratorio Genetica E Genomica, ASL 8 Cagliari
Classification: Pathogenic for Hereditary liability to pressure palsies. Last evaluated: 2018-11-01. Review status: no assertion criteria provided. Collection method: clinical testing. Allele origin: germline. Inheritance: Autosomal dominant inheritance. Affected: yes.
Comment: The deletion encompasses the PMP22 gene, known to be associated with Hereditary Neuropathy with Liability to Pressure Palsies (HNPP). Similar deletions have been previously reported in patients with consistent clinical features. Therefore, the variant is classified as pathogenic.